The following is an entry in ClinVar:

NM_000245.4(MET):c.3344T>C (p.Ile1115Thr)

Gene: MET (MET proto-oncogene, receptor tyrosine kinase; plus strand). Cytogenetic location: 7q31.2.
Variant type: single nucleotide variant.
Coding change: c.3344T>C on transcript NM_000245.4 (MANE Select); coding-DNA position 3344, T replaced by C.
Protein change: p.Ile1115Thr; replaces isoleucine 1115 with threonine.
Molecular consequence: missense variant.
Genome position (GRCh38, 1-based): chr7:116,778,779, T>C. VCF-style: chr7-116778779-T-C. GRCh37 (hg19) VCF-style: chr7-116418833-T-C.
Other names: c.3398T>C, p.Ile1133Thr (NM_001127500.3); c.2054T>C, p.Ile685Thr (NM_001324402.2); short protein forms I1115T, I685T, I1133T.
Identifiers: ClinVar variation 963256 (VCV000963256.10), dbSNP rs1795065701, ClinGen allele CA368989948.

ClinVar aggregate classification (germline): Uncertain significance. Review status: criteria provided, multiple submitters, no conflicts (2 of 4 stars). 2 submissions from 2 submitters: Uncertain significance (2). Last evaluated 2024-01-29.

Conditions:
Renal cell carcinoma. Identifiers: Orphanet 217071, MedGen C0007134, MeSH D002292, MONDO:0005086, HP:0005584.
Hereditary cancer-predisposing syndrome. Also called: Tumor predisposition; Hereditary neoplastic syndrome; Hereditary Cancer Syndrome; Neoplastic Syndromes, Hereditary. Identifiers: Orphanet 140162, MedGen C0027672, MeSH D009386, MONDO:0015356.

Submissions (2):

Ambry Genetics
Classification: Uncertain significance for Hereditary cancer-predisposing syndrome. Last evaluated: 2024-01-29. Review status: criteria provided, single submitter. Criteria: Ambry Variant Classification Scheme 2023. Collection method: clinical testing. Allele origin: germline.
Comment: The p.I1133T variant (also known as c.3398T>C), located in coding exon 16 of the MET gene, results from a T to C substitution at nucleotide position 3398. The isoleucine at codon 1133 is replaced by threonine, an amino acid with similar properties. This amino acid position is highly conserved in available vertebrate species. In addition, this alteration is predicted to be deleterious by in silico analysis. Based on the available evidence, the clinical significance of this alteration remains unclear.

Labcorp Genetics (formerly Invitae), Labcorp
Classification: Uncertain significance for Renal cell carcinoma. Last evaluated: 2019-08-26. Review status: criteria provided, single submitter. Criteria: Invitae Variant Classification Sherloc (09022015). Collection method: clinical testing. Allele origin: germline.
Comment: In summary, the available evidence is currently insufficient to determine the role of this variant in disease. Therefore, it has been classified as a Variant of Uncertain Significance. Algorithms developed to predict the effect of missense changes on protein structure and function are either unavailable or do not agree on the potential impact of this missense change (SIFT: "Deleterious"; PolyPhen-2: "Probably Damaging"; Align-GVGD: "Class C0"). This variant has not been reported in the literature in individuals with MET-related conditions. This variant is not present in population databases (ExAC no frequency). This sequence change replaces isoleucine with threonine at codon 1133 of the MET protein (p.Ile1133Thr). The isoleucine residue is highly conserved and there is a moderate physicochemical difference between isoleucine and threonine.